The following is an entry in ClinVar:

NM_005609.4(PYGM):c.2182A>G (p.Asn728Asp)

Gene: PYGM (glycogen phosphorylase, muscle associated; minus strand). Cytogenetic location: 11q13.1.
Variant type: single nucleotide variant.
Coding change: c.2182A>G on transcript NM_005609.4 (MANE Select); coding-DNA position 2182, A replaced by G.
Protein change: p.Asn728Asp; replaces asparagine 728 with aspartic acid.
Molecular consequence: missense variant.
Genome position (GRCh38, 1-based): chr11:64,747,354, T>C on the plus strand (A>G on the coding strand, the complement: PYGM is on the minus strand). VCF-style: chr11-64747354-T-C. GRCh37 (hg19) VCF-style: chr11-64514826-T-C.
Other names: c.1918A>G, p.Asn640Asp (NM_001164716.1); short protein forms N640D, N728D.
Identifiers: ClinVar variation 992135 (VCV000992135.33), dbSNP rs200058475, ClinGen allele CA6079607.

ClinVar aggregate classification (germline): Conflicting classifications of pathogenicity. Review status: criteria provided, conflicting classifications (1 of 4 stars). 5 submissions from 5 submitters: Uncertain significance (2); Likely benign (2). 1 of the submissions does not count toward it. Last evaluated 2026-01-29.

Conditions:
Glycogen storage disease, type V (GSD5). Also called: McArdle type glycogen storage disease; MCARDLE DISEASE; MUSCLE GLYCOGEN PHOSPHORYLASE DEFICIENCY; MYOPHOSPHORYLASE DEFICIENCY; PYGM DEFICIENCY. Identifiers: Orphanet 368, MedGen C0017924, MONDO:0009293, OMIM 232600.

Allele frequency attached by ClinVar (database versions not stated): gnomAD 0.00007; TOPMed 0.00010; ExAC 0.00016; gnomAD exomes 0.00016; ESP Exome Variant Server 0.00023.
gnomAD v4.1: 140 of 1,614,072 alleles (0.0087%); highest among the groups gnomAD compares: Non-Finnish European, 0.0029%; no homozygotes.

Submissions (5):

Labcorp Genetics (formerly Invitae), Labcorp
Classification: Likely benign for Glycogen storage disease, type V. Last evaluated: 2026-01-29. Review status: criteria provided, single submitter. Criteria: Invitae Variant Classification Sherloc (09022015). Collection method: clinical testing. Allele origin: germline.

Revvity Omics, Revvity
Classification: Uncertain significance for Glycogen storage disease, type V. Last evaluated: 2024-08-08. Review status: criteria provided, single submitter. Criteria: ACMG Guidelines, 2015. Collection method: clinical testing. Allele origin: germline.

Fulgent Genetics
Classification: Uncertain significance for Glycogen storage disease, type V. Last evaluated: 2024-04-20. Review status: criteria provided, single submitter. Criteria: ACMG Guidelines, 2015. Collection method: clinical testing. Allele origin: germline.

CeGaT Center for Human Genetics Tuebingen
Classification: Likely benign. Last evaluated: 2024-03-01. Review status: criteria provided, single submitter. Criteria: CeGaT Center For Human Genetics Tuebingen Variant Classification Criteria Version 2. Collection method: clinical testing. Allele origin: germline. Affected: yes. Observed: 1 variant allele.
Comment: PYGM: BS1

Natera, Inc.
Classification: Uncertain significance for Glycogen storage disease V. Last evaluated: 2020-04-14. Review status: no assertion criteria provided. Collection method: clinical testing. Allele origin: germline. Not counted in ClinVar's aggregate classification.